The following is an entry in ClinVar:

ClinVar aggregate classification (germline): Uncertain significance (1 of 4 stars; one submission).

Conditions:
Kabuki syndrome. Also called: NIIKAWA-KUROKI SYNDROME; Kabuki make-up syndrome. Identifiers: Orphanet 2322, MedGen C0796004, MONDO:0016512.

Allele frequency attached by ClinVar (database versions not stated): gnomAD exomes below 0.00001.
gnomAD v4.1: 3 of 1,613,856 alleles (0.00019%); highest among the groups gnomAD compares: African/African-American, 0.0013%; no homozygotes.

Submission:

Labcorp Genetics (formerly Invitae), Labcorp
Classification: Uncertain significance for Kabuki syndrome. Last evaluated: 2024-09-27. Review status: criteria provided, single submitter. Criteria: Invitae Variant Classification Sherloc (09022015). Collection method: clinical testing. Allele origin: germline.
Comment: This sequence change replaces glutamic acid, which is acidic and polar, with lysine, which is basic and polar, at codon 2290 of the KMT2D protein (p.Glu2290Lys). This variant is not present in population databases (gnomAD no frequency). This variant has not been reported in the literature in individuals affected with KMT2D-related conditions. Invitae Evidence Modeling of protein sequence and biophysical properties (such as structural, functional, and spatial information, amino acid conservation, physicochemical variation, residue mobility, and thermodynamic stability) indicates that this missense variant is not expected to disrupt KMT2D protein function with a negative predictive value of 95%. In summary, the available evidence is currently insufficient to determine the role of this variant in disease. Therefore, it has been classified as a Variant of Uncertain Significance.

NM_003482.4(KMT2D):c.6868G>A (p.Glu2290Lys)

Gene: KMT2D (lysine methyltransferase 2D; minus strand). Cytogenetic location: 12q13.12.
Variant type: single nucleotide variant.
Coding change: c.6868G>A on transcript NM_003482.4 (MANE Select); coding-DNA position 6868, G replaced by A.
Protein change: p.Glu2290Lys; replaces glutamic acid 2290 with lysine.
Molecular consequence: missense variant.
Genome position (GRCh38, 1-based): chr12:49,040,902, C>T on the plus strand (G>A on the coding strand, the complement: KMT2D is on the minus strand). VCF-style: chr12-49040902-C-T. GRCh37 (hg19) VCF-style: chr12-49434685-C-T.
Other names: short protein forms E2290K.
Identifiers: ClinVar variation 2995170 (VCV002995170.3), dbSNP rs886049480, ClinGen allele CA10637650.